The following is an entry in ClinVar:

ClinVar aggregate classification (germline): Uncertain significance (1 of 4 stars; one submission).

Submission:

Labcorp Genetics (formerly Invitae), Labcorp
Classification: Uncertain significance. Last evaluated: 2025-07-10. Review status: criteria provided, single submitter. Criteria: Invitae Variant Classification Sherloc (09022015). Collection method: clinical testing. Allele origin: germline.
Comment: This sequence change replaces serine, which is neutral and polar, with proline, which is neutral and non-polar, at codon 2969 of the KMT2A protein (p.Ser2969Pro). This variant is not present in population databases (gnomAD no frequency). This variant has not been reported in the literature in individuals affected with KMT2A-related conditions. ClinVar contains an entry for this variant (Variation ID: 3669614). Invitae Evidence Modeling of protein sequence and biophysical properties (such as structural, functional, and spatial information, amino acid conservation, physicochemical variation, residue mobility, and thermodynamic stability) indicates that this missense variant is not expected to disrupt KMT2A protein function with a negative predictive value of 95%. In summary, the available evidence is currently insufficient to determine the role of this variant in disease. Therefore, it has been classified as a Variant of Uncertain Significance.

NM_001197104.2(KMT2A):c.8905T>C (p.Ser2969Pro)

Gene: KMT2A (lysine methyltransferase 2A; plus strand). Cytogenetic location: 11q23.3.
Variant type: single nucleotide variant.
Coding change: c.8905T>C on transcript NM_001197104.2 (MANE Select); coding-DNA position 8905, T replaced by C.
Protein change: p.Ser2969Pro; replaces serine 2969 with proline.
Molecular consequence: missense variant.
Genome position (GRCh38, 1-based): chr11:118,504,797, T>C. VCF-style: chr11-118504797-T-C. GRCh37 (hg19) VCF-style: chr11-118375512-T-C.
Other names: c.8995T>C, p.Ser2999Pro (NM_001412597.1); c.8896T>C, p.Ser2966Pro (NM_005933.4); short protein forms S2969P, S2999P, S2966P.
Identifiers: ClinVar variation 3669614 (VCV003669614.2).